The following is an entry in ClinVar:

NM_020822.3(KCNT1):c.2977C>T (p.Arg993Trp)

Gene: KCNT1 (potassium sodium-activated channel subfamily T member 1; plus strand). Cytogenetic location: 9q34.3.
Variant type: single nucleotide variant.
Coding change: c.2977C>T on transcript NM_020822.3 (MANE Select); coding-DNA position 2977, C replaced by T.
Protein change: p.Arg993Trp; replaces arginine 993 with tryptophan.
Molecular consequence: missense variant.
Genome position (GRCh38, 1-based): chr9:135,784,568, C>T. VCF-style: chr9-135784568-C-T. GRCh37 (hg19) VCF-style: chr9-138676414-C-T.
Other names: c.2842C>T, p.Arg948Trp (NM_001272003.2); short protein forms R993W, R948W.
Identifiers: ClinVar variation 473379 (VCV000473379.8), dbSNP rs368252006, ClinGen allele CA5327548.

ClinVar aggregate classification (germline): Uncertain significance. Review status: criteria provided, multiple submitters, no conflicts (2 of 4 stars). 2 submissions from 2 submitters: Uncertain significance (2). Last evaluated 2024-05-29.

Conditions:
Autosomal dominant nocturnal frontal lobe epilepsy 5. Also called: Epilepsy, nocturnal frontal lobe, 5; CILIARY DYSKINESIA, PRIMARY, 28, WITHOUT SITUS INVERSUS; CILIARY DYSKINESIA, PRIMARY, 28, WITH SITUS INVERSUS; KCNT1-Related Epilepsy. Identifiers: Orphanet 98784, MedGen C3554306, MONDO:0014002, OMIM 615005.
Developmental and epileptic encephalopathy, 14 (DEE14). Also called: Early infantile epileptic encephalopathy 14. Identifiers: Orphanet 293181, MedGen C3554195, MONDO:0013989, OMIM 614959.

Allele frequency attached by ClinVar (database versions not stated): gnomAD 0.00001; gnomAD exomes 0.00003; ESP Exome Variant Server 0.00008.
gnomAD v4.1: 15 of 1,535,222 alleles (0.00098%); highest among the groups gnomAD compares: East Asian, 0.005%; no homozygotes.

Submissions (2):

GeneDx
Classification: Uncertain significance. Last evaluated: 2024-05-29. Review status: criteria provided, single submitter. Criteria: GeneDx Variant Classification Process June 2021. Collection method: clinical testing. Allele origin: germline. Affected: yes.
Comment: Reported previously in a patient with a rare disease; however, no specific clinical information was provided (PMID: 33726816); In silico analysis supports that this missense variant has a deleterious effect on protein structure/function; This variant is associated with the following publications: (PMID: 33726816)

Labcorp Genetics (formerly Invitae), Labcorp
Classification: Uncertain significance for Autosomal dominant nocturnal frontal lobe epilepsy 5; Developmental and epileptic encephalopathy, 14. Last evaluated: 2021-12-02. Review status: criteria provided, single submitter. Criteria: Invitae Variant Classification Sherloc (09022015). Collection method: clinical testing. Allele origin: germline.
Comment: This sequence change replaces arginine, which is basic and polar, with tryptophan, which is neutral and slightly polar, at codon 993 of the KCNT1 protein (p.Arg993Trp). This variant is present in population databases (rs368252006, gnomAD 0.007%). This variant has not been reported in the literature in individuals affected with KCNT1-related conditions. ClinVar contains an entry for this variant (Variation ID: 473379). Advanced modeling of protein sequence and biophysical properties (such as structural, functional, and spatial information, amino acid conservation, physicochemical variation, residue mobility, and thermodynamic stability) performed at Invitae indicates that this missense variant is expected to disrupt KCNT1 protein function. In summary, the available evidence is currently insufficient to determine the role of this variant in disease. Therefore, it has been classified as a Variant of Uncertain Significance.